The following is an entry in ClinVar:

NM_001267550.2(TTN):c.70137C>T (p.Thr23379=)

Genes: TTN (titin; minus strand), TTN-AS1 (TTN antisense RNA 1; plus strand), LOC126806422 (BRD4-independent group 4 enhancer GRCh37_chr2:179440205-179441404; plus strand). Cytogenetic location: 2q31.2.
Variant type: single nucleotide variant.
Coding change: c.70137C>T on transcript NM_001267550.2 (MANE Select); coding-DNA position 70137, C replaced by T.
Protein change: p.Thr23379=; no amino-acid change (threonine 23379 retained).
Molecular consequence: synonymous variant.
Genome position (GRCh38, 1-based): chr2:178,575,995, G>A on the plus strand (C>T on the coding strand, the complement: TTN is on the minus strand). VCF-style: chr2-178575995-G-A. GRCh37 (hg19) VCF-style: chr2-179440722-G-A.
Other names: c.65214C>T, p.Thr21738= (NM_001256850.1); c.42942C>T, p.Thr14314= (NM_003319.4); c.62433C>T, p.Thr20811= (NM_133378.4); c.43317C>T, p.Thr14439= (NM_133432.3); c.43518C>T, p.Thr14506= (NM_133437.4).
Identifiers: ClinVar variation 703388 (VCV000703388.13), dbSNP rs770349910, ClinGen allele CA1990831.

ClinVar aggregate classification (germline): Likely benign. Review status: criteria provided, multiple submitters, no conflicts (2 of 4 stars). 4 submissions from 4 submitters: Likely benign (4). Last evaluated 2025-11-09.

Conditions:
TTN-related disorder. Also called: TTN-related condition; TTN-related disease; TTN-related disorders.
Cardiovascular phenotype. Identifiers: MedGen CN230736.
Autosomal recessive limb-girdle muscular dystrophy type 2J (LGMDR10). Also called: Limb-girdle muscular dystrophy, type 2J; MUSCULAR DYSTROPHY, LIMB-GIRDLE, AUTOSOMAL RECESSIVE 10. Identifiers: Orphanet 140922, MedGen C1837342, MONDO:0012127, OMIM 608807.
Dilated cardiomyopathy 1G (CMD1G). Identifiers: Orphanet 154, MedGen C1858763, MONDO:0011400, OMIM 604145.

Allele frequency attached by ClinVar (database versions not stated): gnomAD 0.00001; ExAC 0.00003; gnomAD exomes 0.00003.
gnomAD v4.1: 9 of 1,611,464 alleles (0.00056%); highest among the groups gnomAD compares: Admixed American, 0.013%; no homozygotes.

Submissions (4):

Labcorp Genetics (formerly Invitae), Labcorp
Classification: Likely benign for Dilated cardiomyopathy 1G; Autosomal recessive limb-girdle muscular dystrophy type 2J. Last evaluated: 2025-11-09. Review status: criteria provided, single submitter. Criteria: Invitae Variant Classification Sherloc (09022015). Collection method: clinical testing. Allele origin: germline.

PreventionGenetics, part of Exact Sciences
Classification: Likely benign for TTN-related condition. Last evaluated: 2024-11-15. Review status: criteria provided, single submitter. Criteria: ACMG Guidelines, 2015. Collection method: clinical testing. Allele origin: germline.
Comment: This variant is classified as likely benign based on ACMG/AMP sequence variant interpretation guidelines (Richards et al. 2015 PMID: 25741868, with internal and published modifications).

GeneDx
Classification: Likely benign. Last evaluated: 2021-08-27. Review status: criteria provided, single submitter. Criteria: GeneDx Variant Classification Process June 2021. Collection method: clinical testing. Allele origin: germline. Affected: yes.

Ambry Genetics
Classification: Likely benign for Cardiovascular phenotype. Last evaluated: 2019-12-13. Review status: criteria provided, single submitter. Criteria: Ambry Variant Classification Scheme 2023. Collection method: clinical testing. Allele origin: germline.